The following is an entry in ClinVar:

NM_005534.4(IFNGR2):c.532C>T (p.His178Tyr)

Gene: IFNGR2 (interferon gamma receptor 2; plus strand). Cytogenetic location: 21q22.11.
Variant type: single nucleotide variant.
Coding change: c.532C>T on transcript NM_005534.4 (MANE Select); coding-DNA position 532, C replaced by T.
Protein change: p.His178Tyr; replaces histidine 178 with tyrosine.
Molecular consequence: missense variant.
Genome position (GRCh38, 1-based): chr21:33,427,003, C>T. VCF-style: chr21-33427003-C-T. GRCh37 (hg19) VCF-style: chr21-34799310-C-T.
Other names: c.589C>T, p.His197Tyr (NM_001329128.2); short protein forms H178Y, H197Y.
Identifiers: ClinVar variation 654567 (VCV000654567.11), dbSNP rs769963583, ClinGen allele CA10006957.
Genomic context (GRCh38, chr21:33,427,003, plus strand): 5'-AGGTTCTCCTCTCCCTTTGACATCGCTGATACCTCCACGGCCTTTTTTTGTTATTATGTC[C>T]ATTACTGGGAAAAAGGAGGAATCCAACAGGCAAGAGCATCTTTCTTTTTTGTTTGGATTT-3'
Protein context (NP_005525.2, residues 168-188): TSTAFFCYYV[His178Tyr]YWEKGGIQQV

ClinVar aggregate classification (germline): Conflicting classifications of pathogenicity. Review status: criteria provided, conflicting classifications (1 of 4 stars). 2 submissions from 2 submitters: Uncertain significance (1); Likely benign (1). Last evaluated 2024-11-12.

Conditions:
Inborn genetic diseases. Identifiers: MedGen C0950123, MeSH D030342.
Immunodeficiency 28 (IMD28). Also called: IFNGR2 DEFICIENCY. Identifiers: Orphanet 319547, Orphanet 319574, MedGen C4013947, MONDO:0013953, OMIM 614889.

Allele frequency attached by ClinVar (database versions not stated): ExAC 0.00001; TOPMed 0.00002; gnomAD 0.00004.

Submissions (2):

Ambry Genetics
Classification: Likely benign for Inborn genetic diseases. Last evaluated: 2024-11-12. Review status: criteria provided, single submitter. Criteria: Ambry Variant Classification Scheme 2023. Collection method: clinical testing. Allele origin: germline.

Labcorp Genetics (formerly Invitae), Labcorp
Classification: Uncertain significance for Immunodeficiency 28. Last evaluated: 2023-07-03. Review status: criteria provided, single submitter. Criteria: Invitae Variant Classification Sherloc (09022015). Collection method: clinical testing. Allele origin: germline.
Comment: In summary, the available evidence is currently insufficient to determine the role of this variant in disease. Therefore, it has been classified as a Variant of Uncertain Significance. Advanced modeling of protein sequence and biophysical properties (such as structural, functional, and spatial information, amino acid conservation, physicochemical variation, residue mobility, and thermodynamic stability) performed at Invitae indicates that this missense variant is not expected to disrupt IFNGR2 protein function. ClinVar contains an entry for this variant (Variation ID: 654567). This variant has not been reported in the literature in individuals affected with IFNGR2-related conditions. This variant is present in population databases (rs769963583, gnomAD 0.008%). This sequence change replaces histidine, which is basic and polar, with tyrosine, which is neutral and polar, at codon 178 of the IFNGR2 protein (p.His178Tyr).